The following is an entry in ClinVar:

NM_001098668.4(SFTPA2):c.271G>C (p.Ala91Pro)

Gene: SFTPA2 (surfactant protein A2; minus strand). Cytogenetic location: 10q22.3.
Variant type: single nucleotide variant.
Coding change: c.271G>C on transcript NM_001098668.4 (MANE Select); coding-DNA position 271, G replaced by C.
Protein change: p.Ala91Pro; replaces alanine 91 with proline.
Molecular consequence: missense variant.
Genome position (GRCh38, 1-based): chr10:79,558,907, C>G on the plus strand (G>C on the coding strand, the complement: SFTPA2 is on the minus strand). VCF-style: chr10-79558907-C-G. GRCh37 (hg19) VCF-style: chr10-81318663-C-G.
Other names: c.271G>C, p.Ala91Pro (NM_001320813.2); c.301G>C, p.Ala101Pro (NM_001320814.1); c.271G>C (NM_001098668.3); short protein forms A91P, A101P.
Identifiers: ClinVar variation 227067 (VCV000227067.12), dbSNP rs17886395, ClinGen allele CA5574129.

ClinVar aggregate classification (germline): Benign. Review status: criteria provided, multiple submitters, no conflicts (2 of 4 stars). 6 submissions from 6 submitters: Benign (5). 1 of the submissions does not count toward it. Last evaluated 2025-09-11.

Conditions:
SFTPA2-related disorder. Also called: SFTPA2-related condition.

Allele frequency attached by ClinVar (database versions not stated): ESP Exome Variant Server 0.14918; gnomAD 0.16203 and 0.16788; TOPMed 0.17431; ExAC 0.18570; gnomAD exomes 0.18859; 1000 Genomes Project 30x 0.22049; 1000 Genomes Project 0.22324.

Submissions (6):

Mayo Clinic Laboratories, Mayo Clinic
Classification: Benign. Last evaluated: 2025-09-11. Review status: criteria provided, single submitter. Criteria: ACMG Guidelines, 2015. Collection method: clinical testing. Allele origin: germline. Observed: 4 variant alleles.
Comment: BA1, BP4_moderate

Blueprint Genetics
Classification: Benign. Last evaluated: 2024-11-27. Review status: criteria provided, single submitter. Criteria: ACMG Guidelines, 2015. Collection method: clinical testing. Allele origin: germline.

GeneDx
Classification: Benign. Last evaluated: 2018-11-12. Review status: criteria provided, single submitter. Criteria: GeneDx Variant Classification Process June 2021. Collection method: clinical testing. Allele origin: germline. Affected: yes.
Comment: This variant is associated with the following publications: (PMID: 16292672, 20466729)

Laboratory for Molecular Medicine, Mass General Brigham Personalized Medicine
Classification: Benign. Last evaluated: 2014-11-26. Review status: criteria provided, single submitter. Criteria: LMM Criteria. Collection method: clinical testing. Allele origin: germline. Observed: 22 variant alleles.
Comment: p.Ala91Pro in exon 4 of SFTPA2: This variant is not expected to have clinical si gnificance because it has been identified in 14.3% (1226/8592) of European Ameri can chromosomes by the NHLBI Exome Sequencing Project (. edu/EVS/; dbSNP rs17886395).

Breakthrough Genomics
Classification: Benign. Review status: criteria provided, single submitter. Criteria: ACMG Guidelines, 2015. Collection method: not provided. Allele origin: germline. Inheritance: Autosomal dominant inheritance. Affected: yes.

PreventionGenetics, part of Exact Sciences
Classification: Benign for SFTPA2-related condition. Last evaluated: 2021-04-29. Review status: no assertion criteria provided. Collection method: clinical testing. Allele origin: germline. Not counted in ClinVar's aggregate classification.
Comment: This variant is classified as benign based on ACMG/AMP sequence variant interpretation guidelines (Richards et al. 2015 PMID: 25741868, with internal and published modifications).

Literature cited by the submitters: PubMed 20466729 (cited by Mayo Clinic Laboratories, Mayo Clinic and Laboratory for Molecular Medicine, Mass General Brigham Personalized Medicine); PubMed 12743564 (cited by Laboratory for Molecular Medicine, Mass General Brigham Personalized Medicine); PubMed 16292672 (cited by Laboratory for Molecular Medicine, Mass General Brigham Personalized Medicine); PubMed 19100526 (cited by Laboratory for Molecular Medicine, Mass General Brigham Personalized Medicine); PubMed 12476938 (cited by Laboratory for Molecular Medicine, Mass General Brigham Personalized Medicine).